The following is an entry in ClinVar:

NM_000548.5(TSC2):c.615G>C (p.Leu205=)

Gene: TSC2 (TSC complex subunit 2; plus strand). Cytogenetic location: 16p13.3.
Variant type: single nucleotide variant.
Coding change: c.615G>C on transcript NM_000548.5 (MANE Select); coding-DNA position 615, G replaced by C.
Protein change: p.Leu205=; no amino-acid change (leucine 205 retained).
Molecular consequence: synonymous variant.
Genome position (GRCh38, 1-based): chr16:2,056,211, G>C. VCF-style: chr16-2056211-G-C. GRCh37 (hg19) VCF-style: chr16-2106212-G-C.
Other names: c.615G>C, p.Leu205= (NM_001114382.3, NM_001363528.2, NM_001370404.1 and 3 more transcripts); c.504G>C, p.Leu168= (NM_001318827.2); c.468G>C, p.Leu156= (NM_001318829.2); c.15G>C, p.Leu5= (NM_001318831.2); c.648G>C, p.Leu216= (NM_001318832.2).
Identifiers: ClinVar variation 1126547 (VCV001126547.12), dbSNP rs1596275291, ClinGen allele CA492956307.

ClinVar aggregate classification (germline): Benign/Likely benign. Review status: criteria provided, multiple submitters, no conflicts (2 of 4 stars). 3 submissions from 3 submitters: Benign (1); Likely benign (2). Last evaluated 2025-05-08.

Conditions:
Hereditary cancer-predisposing syndrome. Also called: Neoplastic Syndromes, Hereditary; Tumor predisposition; Hereditary Cancer Syndrome; Hereditary neoplastic syndrome. Identifiers: Orphanet 140162, MedGen C0027672, MeSH D009386, MONDO:0015356.
Tuberous sclerosis 2 (TSC2). Identifiers: Orphanet 805, MedGen C1860707, MONDO:0013199, OMIM 613254.

gnomAD v4.1: 1 of 1,614,018 alleles (0.000062%); highest among the groups gnomAD compares: Non-Finnish European, 0.000085%; no homozygotes.

Submissions (3):

Myriad Genetics, Inc.
Classification: Benign for Tuberous sclerosis 2. Last evaluated: 2025-05-08. Review status: criteria provided, single submitter. Criteria: Myriad Autosomal Dominant, Autosomal Recessive and X-Linked Classification Criteria (2023). Collection method: clinical testing. Allele origin: unknown.
Comment: This variant is considered benign. This variant is a silent/synonymous amino acid change and it is not expected to impact splicing.

Labcorp Genetics (formerly Invitae), Labcorp
Classification: Likely benign for Tuberous sclerosis 2. Last evaluated: 2022-01-22. Review status: criteria provided, single submitter. Criteria: Invitae Variant Classification Sherloc (09022015). Collection method: clinical testing. Allele origin: germline.

Ambry Genetics
Classification: Likely benign for Hereditary cancer-predisposing syndrome. Last evaluated: 2021-04-13. Review status: criteria provided, single submitter. Criteria: Ambry Variant Classification Scheme 2023. Collection method: clinical testing. Allele origin: germline.